The following is an entry in ClinVar:

NM_198060.4(NRAP):c.1740+4C>T

Gene: NRAP (nebulin related anchoring protein; minus strand). Cytogenetic location: 10q25.3.
Variant type: single nucleotide variant.
Coding change: c.1740+4C>T on transcript NM_198060.4 (MANE Select); 4 bases into the intron after coding-DNA position 1740, C replaced by T.
Molecular consequence: intron variant.
Genome position (GRCh38, 1-based): chr10:113,631,853, G>A on the plus strand (C>T on the coding strand, the complement: NRAP is on the minus strand). VCF-style: chr10-113631853-G-A. GRCh37 (hg19) VCF-style: chr10-115391612-G-A.
Other names: c.1635+4C>T (NM_006175.5); c.1740+4C>T (NM_001322945.2, NM_001261463.2).
Identifiers: ClinVar variation 3055356 (VCV003055356.3), dbSNP rs17090786, ClinGen allele CA5695442.

ClinVar aggregate classification (germline): Likely benign. Review status: criteria provided, single submitter (1 of 4 stars). 2 submissions from 2 submitters: Likely benign (1). 1 of the submissions does not count toward it. Last evaluated 2025-04-09.

Conditions:
NRAP-related disorder. Also called: NRAP-related condition.

Allele frequency attached by ClinVar (database versions not stated): 1000 Genomes Project 0.00919; 1000 Genomes Project 30x 0.00937; gnomAD 0.01090; ESP Exome Variant Server 0.01223; TOPMed 0.01241; ExAC 0.01314.
gnomAD v4.1: 23,313 of 1,580,172 alleles (1.5%); highest among the groups gnomAD compares: Non-Finnish European, 1.8%; 225 homozygotes.

Submissions (2):

Molecular Diagnostic Laboratory for Inherited Cardiovascular Disease, Montreal Heart Institute
Classification: Likely benign. Last evaluated: 2025-04-09. Review status: criteria provided, single submitter. Criteria: ACMG Guidelines, 2015. Collection method: clinical testing. Allele origin: germline. Affected: no.

PreventionGenetics, part of Exact Sciences
Classification: Benign for NRAP-related condition. Last evaluated: 2019-02-22. Review status: no assertion criteria provided. Collection method: clinical testing. Allele origin: germline. Not counted in ClinVar's aggregate classification.
Comment: This variant is classified as benign based on ACMG/AMP sequence variant interpretation guidelines (Richards et al. 2015 PMID: 25741868, with internal and published modifications).